The following is an entry in ClinVar:

ClinVar aggregate classification (germline): Uncertain significance (1 of 4 stars; one submission).

Conditions:
Ataxia-telangiectasia syndrome (AT). Also called: Cerebello-oculocutaneous telangiectasia; Immunodeficiency with ataxia telangiectasia; Ataxia-telangiectasia, complementation group D; Ataxia telangiectasia (A-T); ATAXIA-TELANGIECTASIA, COMPLEMENTATION GROUP A; ATAXIA-TELANGIECTASIA, FRESNO VARIANT. Identifiers: Orphanet 100, MedGen C0004135, MONDO:0008840, OMIM 208900.

Submission:

Labcorp Genetics (formerly Invitae), Labcorp
Classification: Uncertain significance for Ataxia-telangiectasia syndrome. Last evaluated: 2022-04-09. Review status: criteria provided, single submitter. Criteria: Invitae Variant Classification Sherloc (09022015). Collection method: clinical testing. Allele origin: germline.
Comment: In summary, the available evidence is currently insufficient to determine the role of this variant in disease. Therefore, it has been classified as a Variant of Uncertain Significance. Variants that disrupt the consensus splice site are a relatively common cause of aberrant splicing (PMID: 17576681, 9536098). Algorithms developed to predict the effect of sequence changes on RNA splicing suggest that this variant may disrupt the consensus splice site. This variant has not been reported in the literature in individuals affected with ATM-related conditions. This variant is not present in population databases (gnomAD no frequency). This sequence change falls in intron 16 of the ATM gene. It does not directly change the encoded amino acid sequence of the ATM protein. It affects a nucleotide within the consensus splice site.

Literature cited by the submitters: PubMed 17576681; PubMed 9536098.

NM_000051.4(ATM):c.2466+3A>C

Gene: ATM (ATM serine/threonine kinase; plus strand). Cytogenetic location: 11q22.3.
Variant type: single nucleotide variant.
Coding change: c.2466+3A>C on transcript NM_000051.4 (MANE Select); 3 bases into the intron after coding-DNA position 2466, A replaced by C.
Molecular consequence: intron variant.
Genome position (GRCh38, 1-based): chr11:108,259,078, A>C. VCF-style: chr11-108259078-A-C. GRCh37 (hg19) VCF-style: chr11-108129805-A-C.
Other names: c.2466+3A>C (NM_001351834.2).
Identifiers: ClinVar variation 2123306 (VCV002123306.4), dbSNP rs2497421735, ClinGen allele CA2580083371.